The following is an entry in ClinVar:

NM_001199251.3(SGO1):c.965A>C (p.Gln322Pro)

Genes: SGO1 (shugoshin 1; minus strand), SGO1-AS1 (SGO1 antisense RNA 1; plus strand). Cytogenetic location: 3p24.3.
Variant type: single nucleotide variant.
Coding change: c.965A>C on transcript NM_001199251.3 (MANE Select); coding-DNA position 965, A replaced by C.
Protein change: p.Gln322Pro; replaces glutamine 322 with proline.
Molecular consequence: missense variant. On other transcripts: intron variant (9).
Genome position (GRCh38, 1-based): chr3:20,174,566, T>G on the plus strand (A>C on the coding strand, the complement: SGO1 is on the minus strand). VCF-style: chr3-20174566-T-G. GRCh37 (hg19) VCF-style: chr3-20216058-T-G.
Other names: c.965A>C, p.Gln322Pro (NM_001012409.4, NM_001012410.5, NM_001199252.3); c.475+2035A>C (NM_138484.5, NM_001199256.3, NM_001012413.4 and 1 more transcripts); c.526+439A>C (NM_001012412.5, NM_001199257.3, NM_001199254.3 and 2 more transcripts); c.965A>C (NM_001199251.2, NM_001199251.1); short protein forms Q322P.
Identifiers: ClinVar variation 791914 (VCV000791914.8), dbSNP rs9868701, ClinGen allele CA2285214.

ClinVar aggregate classification (germline): Benign. Review status: criteria provided, multiple submitters, no conflicts (2 of 4 stars). 4 submissions from 4 submitters: Benign (3). 1 of the submissions does not count toward it. Last evaluated 2025-04-09.

Conditions:
SGO1-related disorder. Also called: SGO1-related condition.

Allele frequency attached by ClinVar (database versions not stated): ESP Exome Variant Server 0.00838; gnomAD 0.01457 and 0.01548; TOPMed 0.01692; 1000 Genomes Project 30x 0.01702; 1000 Genomes Project 0.01717.
gnomAD v4.1: 5,489 of 1,605,192 alleles (0.34%); highest among the groups gnomAD compares: African/African-American, 4.8%; 106 homozygotes.

Submissions (4):

Molecular Diagnostic Laboratory for Inherited Cardiovascular Disease, Montreal Heart Institute
Classification: Benign. Last evaluated: 2025-04-09. Review status: criteria provided, single submitter. Criteria: ACMG Guidelines, 2015. Collection method: clinical testing. Allele origin: germline. Affected: no.

Labcorp Genetics (formerly Invitae), Labcorp
Classification: Benign. Last evaluated: 2019-12-31. Review status: criteria provided, single submitter. Criteria: Invitae Variant Classification Sherloc (09022015). Collection method: clinical testing. Allele origin: germline.

Breakthrough Genomics
Classification: Benign. Review status: criteria provided, single submitter. Criteria: ACMG Guidelines, 2015. Collection method: not provided. Allele origin: germline. Inheritance: Autosomal recessive inheritance. Affected: yes.

PreventionGenetics, part of Exact Sciences
Classification: Benign for SGO1-related condition. Last evaluated: 2019-12-16. Review status: no assertion criteria provided. Collection method: clinical testing. Allele origin: germline. Not counted in ClinVar's aggregate classification.
Comment: This variant is classified as benign based on ACMG/AMP sequence variant interpretation guidelines (Richards et al. 2015 PMID: 25741868, with internal and published modifications).